The following is an entry in ClinVar:

NM_001080517.3(SETD5):c.3656A>G (p.Glu1219Gly)

Gene: SETD5 (SET domain containing 5; plus strand). Cytogenetic location: 3p25.3.
Variant type: single nucleotide variant.
Coding change: c.3656A>G on transcript NM_001080517.3 (MANE Select); coding-DNA position 3656, A replaced by G.
Protein change: p.Glu1219Gly; replaces glutamic acid 1219 with glycine.
Molecular consequence: missense variant.
Genome position (GRCh38, 1-based): chr3:9,475,092, A>G. VCF-style: chr3-9475092-A-G. GRCh37 (hg19) VCF-style: chr3-9516776-A-G.
Other names: c.3362A>G, p.Glu1121Gly (NM_001292043.2, NM_001349451.2); short protein forms E1219G, E1121G.
Identifiers: ClinVar variation 643490 (VCV000643490.7), dbSNP rs1052957698, ClinGen allele CA69951758.

ClinVar aggregate classification (germline): Conflicting classifications of pathogenicity. Review status: criteria provided, conflicting classifications (1 of 4 stars). 2 submissions from 2 submitters: Uncertain significance (1); Likely benign (1). Last evaluated 2023-07-17.

Allele frequency attached by ClinVar (database versions not stated): gnomAD 0.00001 and 0.00002; gnomAD exomes 0.00001; TOPMed 0.00003.
gnomAD v4.1: 5 of 1,589,316 alleles (0.00031%); highest among the groups gnomAD compares: African/African-American, 0.0054%; no homozygotes.

Submissions (2):

Labcorp Genetics (formerly Invitae), Labcorp
Classification: Likely benign. Last evaluated: 2023-07-17. Review status: criteria provided, single submitter. Criteria: Invitae Variant Classification Sherloc (09022015). Collection method: clinical testing. Allele origin: germline.

GeneDx
Classification: Uncertain significance. Last evaluated: 2022-03-17. Review status: criteria provided, single submitter. Criteria: GeneDx Variant Classification Process June 2021. Collection method: clinical testing. Allele origin: germline. Affected: yes.
Comment: Not observed at significant frequency in large population cohorts (gnomAD); In silico analysis supports that this missense variant does not alter protein structure/function; Has not been previously published as pathogenic or benign to our knowledge